The following is an entry in ClinVar:

NM_005751.5(AKAP9):c.4927A>G (p.Ile1643Val)

Genes: AKAP9 (A-kinase anchoring protein 9; plus strand), LOC121175350 (Sharpr-MPRA regulatory region 2641; plus strand). Cytogenetic location: 7q21.2.
Variant type: single nucleotide variant.
Coding change: c.4927A>G on transcript NM_005751.5 (MANE Select); coding-DNA position 4927, A replaced by G.
Protein change: p.Ile1643Val; replaces isoleucine 1643 with valine.
Molecular consequence: missense variant.
Genome position (GRCh38, 1-based): chr7:92,042,055, A>G. VCF-style: chr7-92042055-A-G. GRCh37 (hg19) VCF-style: chr7-91671369-A-G.
Other names: c.4927A>G, p.Ile1643Val (NM_147185.3); short protein forms I1643V.
Identifiers: ClinVar variation 519208 (VCV000519208.10), dbSNP rs141990258, ClinGen allele CA4336695.

ClinVar aggregate classification (germline): Conflicting classifications of pathogenicity. Review status: criteria provided, conflicting classifications (1 of 4 stars). 4 submissions from 4 submitters: Uncertain significance (2); Likely benign (2). Last evaluated 2025-06-20.

Conditions:
Long QT syndrome (LQTS). Identifiers: MedGen C0023976, MeSH D008133, MONDO:0002442. Disease mechanism: loss of function. Inheritance: Various modes of inheritance.
Cardiomyopathy (CMYO). Also called: Cardiomyopathies. Identifiers: Orphanet 167848, MedGen C0878544, MONDO:0004994, HP:0001638. Inheritance: Various modes of inheritance.
Cardiovascular phenotype. Identifiers: MedGen CN230736.

Allele frequency attached by ClinVar (database versions not stated): TOPMed 0.00002; gnomAD 0.00003.
gnomAD v4.1: 49 of 1,613,628 alleles (0.003%); highest among the groups gnomAD compares: Non-Finnish European, 0.004%; no homozygotes.

Submissions (4):

Ambry Genetics
Classification: Uncertain significance for Cardiovascular phenotype. Last evaluated: 2025-06-20. Review status: criteria provided, single submitter. Criteria: Ambry Variant Classification Scheme 2023. Collection method: clinical testing. Allele origin: germline.
Comment: The p.I1643V variant (also known as c.4927A>G), located in coding exon 19 of the AKAP9 gene, results from an A to G substitution at nucleotide position 4927. The isoleucine at codon 1643 is replaced by valine, an amino acid with highly similar properties. Another alteration of the same codon, p.I1643L (c.4927A>C), was reported in a case of sudden infant death along with variants in other genes, but p.I1643L was also detected in the unaffected sister and mother (Campuzano O et al. Forensic Sci Int. 2014;242:9-15). This amino acid position is not well conserved in available vertebrate species, and valine is the reference amino acid in other vertebrate species. In addition, this alteration is predicted to be tolerated by in silico analysis. Since supporting evidence is limited at this time, the clinical significance of this alteration remains unclear.

Labcorp Genetics (formerly Invitae), Labcorp
Classification: Uncertain significance for Long QT syndrome. Last evaluated: 2024-08-20. Review status: criteria provided, single submitter. Criteria: Invitae Variant Classification Sherloc (09022015). Collection method: clinical testing. Allele origin: germline.
Comment: This sequence change replaces isoleucine, which is neutral and non-polar, with valine, which is neutral and non-polar, at codon 1643 of the AKAP9 protein (p.Ile1643Val). This variant is present in population databases (rs141990258, gnomAD 0.003%). This variant has not been reported in the literature in individuals affected with AKAP9-related conditions. ClinVar contains an entry for this variant (Variation ID: 519208). An algorithm developed to predict the effect of missense changes on protein structure and function outputs the following: PolyPhen-2: "Benign". The valine amino acid residue is found in multiple mammalian species, which suggests that this missense change does not adversely affect protein function. In summary, the available evidence is currently insufficient to determine the role of this variant in disease. Therefore, it has been classified as a Variant of Uncertain Significance.

Blueprint Genetics
Classification: Likely benign. Last evaluated: 2023-03-28. Review status: criteria provided, single submitter. Criteria: ACMG Guidelines, 2015. Collection method: clinical testing. Allele origin: germline.

Center for Advanced Laboratory Medicine, UC San Diego Health, University of California San Diego
Classification: Likely benign for Cardiomyopathy. Last evaluated: 2018-12-24. Review status: criteria provided, single submitter. Criteria: ACMG Guidelines, 2015. Collection method: clinical testing. Allele origin: germline. Affected: yes. Observed: 1 variant allele.

Literature cited by the submitters: PubMed 25016126 (cited by Ambry Genetics).